The following is an entry in ClinVar:

NM_005633.4(SOS1):c.294G>A (p.Lys98=)

Gene: SOS1 (SOS Ras/Rac guanine nucleotide exchange factor 1; minus strand). Cytogenetic location: 2p22.1.
Variant type: single nucleotide variant.
Coding change: c.294G>A on transcript NM_005633.4 (MANE Select); coding-DNA position 294, G replaced by A.
Protein change: p.Lys98=; no amino-acid change (lysine 98 retained).
Molecular consequence: synonymous variant.
Genome position (GRCh38, 1-based): chr2:39,058,724, C>T on the plus strand (G>A on the coding strand, the complement: SOS1 is on the minus strand). VCF-style: chr2-39058724-C-T. GRCh37 (hg19) VCF-style: chr2-39285865-C-T.
Other names: NM_005633.3(SOS1):c.294G>A; c.273G>A, p.Lys91= (NM_001382394.1); c.294G>A, p.Lys98= (NM_001382395.1).
Identifiers: ClinVar variation 448944 (VCV000448944.2), dbSNP rs748478952, ClinGen allele CA1624823.

ClinVar aggregate classification (germline): Likely benign (3 of 4 stars; one submission).

Conditions:
RASopathy. Also called: rasopathies; Noonan spectrum disorder. Identifiers: Orphanet 536391, MedGen C5555857, MONDO:0021060.

Allele frequency attached by ClinVar (database versions not stated): gnomAD below 0.00001 and 0.00001; gnomAD exomes 0.00003 and 0.00008; ExAC 0.00007.
gnomAD v4.1: 46 of 1,612,720 alleles (0.0029%); highest among the groups gnomAD compares: South Asian, 0.051%; no homozygotes.

Submission:

ClinGen RASopathy Variant Curation Expert Panel
Classification: Likely benign for Noonan syndrome and Noonan-related syndrome. Last evaluated: 2017-04-18. Review status: reviewed by expert panel. Criteria: ClinGen RASopathy ACMG Specifications v1. Collection method: curation. Allele origin: germline. Inheritance: Autosomal dominant inheritance.
Comment: The filtering allele frequency of the c.294G>A (p.Lys98=) variant in the SOS1 gene is 0.0284% (9/16504) of South Asian chromosomes by the Exome Aggregation Consortium, which is a high enough frequency to be classified as likely benign based on thresholds defined by the ClinGen RASopathy Expert Panel (BS1; PMID:29493581)